The following is an entry in ClinVar:

NM_001037.5(SCN1B):c.329A>G (p.Asn110Ser)

Gene: SCN1B (sodium voltage-gated channel beta subunit 1; plus strand). Cytogenetic location: 19q13.11.
Variant type: single nucleotide variant.
Coding change: c.329A>G on transcript NM_001037.5 (MANE Select); coding-DNA position 329, A replaced by G.
Protein change: p.Asn110Ser; replaces asparagine 110 with serine.
Molecular consequence: missense variant.
Genome position (GRCh38, 1-based): chr19:35,033,620, A>G. VCF-style: chr19-35033620-A-G. GRCh37 (hg19) VCF-style: chr19-35524524-A-G.
Other names: c.230A>G, p.Asn77Ser (NM_001321605.2); c.329A>G, p.Asn110Ser (NM_199037.5); short protein forms N110S, N77S.
Identifiers: ClinVar variation 2159548 (VCV002159548.4), dbSNP rs780904195, ClinGen allele CA9372004.

ClinVar aggregate classification (germline): Uncertain significance (1 of 4 stars; one submission).

Conditions:
Brugada syndrome 5 (BRGDA5). Identifiers: Orphanet 130, Orphanet 871, MedGen C2748541, MONDO:0013015, OMIM 612838.

Allele frequency attached by ClinVar (database versions not stated): ExAC 0.00001.
gnomAD v4.1: 1 of 1,614,112 alleles (0.000062%); highest among the groups gnomAD compares: Non-Finnish European, 0.000085%; no homozygotes.

Submission:

Labcorp Genetics (formerly Invitae), Labcorp
Classification: Uncertain significance for Brugada syndrome 5. Last evaluated: 2026-01-05. Review status: criteria provided, single submitter. Criteria: Invitae Variant Classification Sherloc (09022015). Collection method: clinical testing. Allele origin: germline.
Comment: This sequence change replaces asparagine, which is neutral and polar, with serine, which is neutral and polar, at codon 110 of the SCN1B protein (p.Asn110Ser). This variant is present in population databases (rs780904195, gnomAD 0.006%). This missense change has been observed in individual(s) with generalized epilepsy with febrile seizures, plus (PMID: 30182498). ClinVar contains an entry for this variant (Variation ID: 2159548). An algorithm developed to predict the effect of missense changes on protein structure and function (PolyPhen-2) suggests that this variant is likely to be disruptive. In summary, the available evidence is currently insufficient to determine the role of this variant in disease. Therefore, it has been classified as a Variant of Uncertain Significance.

Literature cited by the submitters: PubMed 30182498.